The following is an entry in ClinVar:

NM_001042517.2(DIAPH3):c.1361+2T>C

Gene: DIAPH3 (diaphanous related formin 3; minus strand). Cytogenetic location: 13q21.2.
Variant type: single nucleotide variant.
Coding change: c.1361+2T>C on transcript NM_001042517.2 (MANE Select); the canonical splice donor site of the intron after coding-DNA position 1361, T replaced by C.
Molecular consequence: splice donor variant.
Genome position (GRCh38, 1-based): chr13:59,991,156, A>G on the plus strand (T>C on the coding strand, the complement: DIAPH3 is on the minus strand). VCF-style: chr13-59991156-A-G. GRCh37 (hg19) VCF-style: chr13-60565290-A-G.
Other names: c.1151+2T>C (NM_001258368.2); c.1223+2T>C (NM_001258367.2); c.1328+2T>C (NM_001258366.2); c.1361+2T>C (NM_001258369.2); c.572+2T>C (NM_030932.4, NM_001258370.2).
Identifiers: ClinVar variation 4073561 (VCV004073561.1).

ClinVar aggregate classification (germline): Uncertain significance (1 of 4 stars; one submission).

Conditions:
Autosomal dominant auditory neuropathy 1. Also called: AUDITORY NEUROPATHY, NONSYNDROMIC DOMINANT. Identifiers: Orphanet 90635, MedGen C1836743, MONDO:0012196, OMIM 609129.

gnomAD v4.1: 4 of 1,551,910 alleles (0.00026%); highest among the groups gnomAD compares: Non-Finnish European, 0.00036%; no homozygotes.

Submission:

Foundation for Research in Genetics and Endocrinology, FRIGE's Institute of Human Genetics
Classification: Uncertain significance for Autosomal dominant auditory neuropathy 1. Last evaluated: 2025-07-17. Review status: criteria provided, single submitter. Criteria: ACMG Guidelines, 2015. Collection method: clinical testing. Allele origin: germline. Inheritance: Autosomal dominant inheritance. Affected: yes. Observed: 1 heterozygote.
Comment: A heterozygous 5’ splice site variant in intron 12 of the DIAPH3 gene that affects the invariant GT donor splice site downstream of exon 12 (c.1361+2T>C) was detected. The variant has not been reported in the 1000 genomes, gnomAD (v3.1), gnomAD (v2.1) and topmed databases. The in silico predictions of the variant is damaging by MutationTaster2. The reference region is conserved across species. In summary, the variant meets our criteria to be classified as variant of uncertain significance.